The following is an entry in ClinVar:

NM_006642.5(SDCCAG8):c.761A>G (p.Gln254Arg)

Gene: SDCCAG8 (SHH signaling and ciliogenesis regulator SDCCAG8; plus strand). Cytogenetic location: 1q43.
Variant type: single nucleotide variant.
Coding change: c.761A>G on transcript NM_006642.5 (MANE Select); coding-DNA position 761, A replaced by G.
Protein change: p.Gln254Arg; replaces glutamine 254 with arginine.
Molecular consequence: missense variant. On other transcripts: 5 prime UTR variant (3).
Genome position (GRCh38, 1-based): chr1:243,308,009, A>G. VCF-style: chr1-243308009-A-G. GRCh37 (hg19) VCF-style: chr1-243471311-A-G.
Other names: c.-143A>G (NM_001350246.2, NM_001350247.2, NM_001350251.2); c.857A>G, p.Gln286Arg (NM_001350248.2); c.467A>G, p.Gln156Arg (NM_001350249.2); c.761A>G (NM_006642.3); short protein forms Q254R, Q156R, Q286R.
Identifiers: ClinVar variation 2149904 (VCV002149904.4), dbSNP rs958074911, ClinGen allele CA40432579.

ClinVar aggregate classification (germline): Uncertain significance. Review status: criteria provided, multiple submitters, no conflicts (2 of 4 stars). 2 submissions from 2 submitters: Uncertain significance (2). Last evaluated 2025-05-27.

Conditions:
Bardet-Biedl syndrome 16 (BBS16). Identifiers: Orphanet 110, MedGen C3889474, MONDO:0014444, OMIM 615993.
Senior-Loken syndrome 7 (SLSN7). Identifiers: Orphanet 3156, MedGen C3150877, MONDO:0013326, OMIM 613615.
Inborn genetic diseases. Identifiers: MedGen C0950123, MeSH D030342.

Allele frequency attached by ClinVar (database versions not stated): gnomAD exomes below 0.00001; gnomAD 0.00002; TOPMed 0.00002.
gnomAD v4.1: 4 of 1,613,962 alleles (0.00025%); highest among the groups gnomAD compares: African/African-American, 0.0053%; no homozygotes.

Submissions (2):

Ambry Genetics
Classification: Uncertain significance for Inborn genetic diseases. Last evaluated: 2025-05-27. Review status: criteria provided, single submitter. Criteria: Ambry Variant Classification Scheme 2023. Collection method: clinical testing. Allele origin: germline.

Labcorp Genetics (formerly Invitae), Labcorp
Classification: Uncertain significance for Bardet-Biedl syndrome 16; Senior-Loken syndrome 7. Last evaluated: 2022-11-13. Review status: criteria provided, single submitter. Criteria: Invitae Variant Classification Sherloc (09022015). Collection method: clinical testing. Allele origin: germline.
Comment: In summary, the available evidence is currently insufficient to determine the role of this variant in disease. Therefore, it has been classified as a Variant of Uncertain Significance. Advanced modeling of protein sequence and biophysical properties (such as structural, functional, and spatial information, amino acid conservation, physicochemical variation, residue mobility, and thermodynamic stability) performed at Invitae indicates that this missense variant is not expected to disrupt SDCCAG8 protein function. This variant has not been reported in the literature in individuals affected with SDCCAG8-related conditions. This variant is not present in population databases (gnomAD no frequency). This sequence change replaces glutamine, which is neutral and polar, with arginine, which is basic and polar, at codon 254 of the SDCCAG8 protein (p.Gln254Arg).